The following is an entry in ClinVar:

ClinVar aggregate classification (germline): Uncertain significance (1 of 4 stars; one submission).

Conditions:
Inborn genetic diseases. Identifiers: MedGen C0950123, MeSH D030342.

Submission:

Ambry Genetics
Classification: Uncertain significance for Inborn genetic diseases. Last evaluated: 2024-11-14. Review status: criteria provided, single submitter. Criteria: Ambry Variant Classification Scheme 2023. Collection method: clinical testing. Allele origin: germline.
Comment: The p.T237R variant (also known as c.710C>G), located in coding exon 6 of the BUB1B gene, results from a C to G substitution at nucleotide position 710. The threonine at codon 237 is replaced by arginine, an amino acid with similar properties. This amino acid position is conserved. In addition, this alteration is predicted to be tolerated by in silico analysis. Based on the available evidence, the clinical significance of this variant remains unclear.

NM_001211.6(BUB1B):c.710C>G (p.Thr237Arg)

Gene: BUB1B (BUB1 mitotic checkpoint serine/threonine kinase B; plus strand). Cytogenetic location: 15q15.1.
Variant type: single nucleotide variant.
Coding change: c.710C>G on transcript NM_001211.6 (MANE Select); coding-DNA position 710, C replaced by G.
Protein change: p.Thr237Arg; replaces threonine 237 with arginine.
Molecular consequence: missense variant.
Genome position (GRCh38, 1-based): chr15:40,183,842, C>G. VCF-style: chr15-40183842-C-G. GRCh37 (hg19) VCF-style: chr15-40476043-C-G.
Other names: short protein forms T237R.
Identifiers: ClinVar variation 3483233 (VCV003483233.1).
Genomic context (GRCh38, chr15:40,183,842, plus strand): 5'-TTGAGTCTTCTGTACCACAACGAAGCACACTAGCTGAACTAAAGAGCAAAGGGAAAAAGA[C>G]AGCAAGAGCTCCAATCATCCGTGTAGGAGGTGCTCTCAAGGGTAAGTTTGTTAAACGTTA-3'
Protein context (NP_001202.5, residues 227-247): LAELKSKGKK[Thr237Arg]ARAPIIRVGG